The following is an entry in ClinVar:

ClinVar aggregate classification (germline): Pathogenic/Likely pathogenic. Review status: criteria provided, multiple submitters, no conflicts (2 of 4 stars). 3 submissions from 3 submitters: Pathogenic (1); Likely pathogenic (2). Last evaluated 2025-07-10.

Conditions:
Polycystic kidney disease, adult type (PKD1). Also called: Polycystic Kidney Disease 1, Autosomal Dominant; Polycystic kidney disease 1; Polycystic kidney disease 1, severe; Polycystic Kidney, Autosomal Dominant; POLYCYSTIC KIDNEY DISEASE 1 WITH OR WITHOUT POLYCYSTIC LIVER DISEASE; POLYCYSTIC KIDNEY DISEASE, ADULT, TYPE I. Identifiers: MedGen C3149841, MONDO:0008263, OMIM 173900.
Inborn genetic diseases. Identifiers: MedGen C0950123, MeSH D030342.

Submissions (3):

Ambry Genetics
Classification: Likely pathogenic for Inborn genetic diseases. Last evaluated: 2025-07-10. Review status: criteria provided, single submitter. Criteria: Ambry Variant Classification Scheme 2023. Collection method: clinical testing. Allele origin: germline.
Comment: The c.12001-2A>G intronic alteration results from an A to G substitution two nucleotides before coding exon 43 of the PKD1 gene. Alterations that disrupt the canonical splice site are expected to result in aberrant splicing. A resulting transcript is predicted to be in-frame and is not expected to trigger nonsense-mediated mRNA decay, although direct evidence is unavailable. This variant was not reported in population-based cohorts in the Genome Aggregation Database (gnomAD). This variant was reported in individual(s) with features consistent with polycystic kidney disease (Mallawaarachchi, 2021; Kim, 2019; Audr&eacute;zet, 2016). This nucleotide position is highly conserved in available vertebrate species. In silico splice site analysis predicts that this alteration will weaken the native splice acceptor site and will result in the creation or strengthening of a novel splice acceptor site. Based on the available evidence, this alteration is classified as likely pathogenic.

Fulgent Genetics
Classification: Pathogenic for Polycystic kidney disease, adult type. Last evaluated: 2024-02-21. Review status: criteria provided, single submitter. Criteria: ACMG Guidelines, 2015. Collection method: clinical testing. Allele origin: germline.

Molecular Genetics of Inherited Kidney Disorders Laboratory, Garvan Institute of Medical Research
Classification: Likely pathogenic. Last evaluated: 2019-01-01. Review status: criteria provided, single submitter. Criteria: ACMG Guidelines, 2015. Collection method: clinical testing. Allele origin: germline. Affected: yes.

Literature cited by the submitters: PubMed 26139440 (cited by Ambry Genetics); PubMed 31740684 (cited by Ambry Genetics); PubMed 33437033 (cited by Ambry Genetics).

NM_001009944.3(PKD1):c.12004-2A>G

Gene: PKD1 (polycystin 1, transient receptor potential channel interacting; minus strand). Cytogenetic location: 16p13.3.
Variant type: single nucleotide variant.
Coding change: c.12004-2A>G on transcript NM_001009944.3 (MANE Select); the canonical splice acceptor site of the intron before coding-DNA position 12004, A replaced by G.
Molecular consequence: splice acceptor variant.
Genome position (GRCh38, 1-based): chr16:2,090,810, T>C on the plus strand (A>G on the coding strand, the complement: PKD1 is on the minus strand). VCF-style: chr16-2090810-T-C. GRCh37 (hg19) VCF-style: chr16-2140811-T-C.
Other names: c.12001-2A>G (NM_000296.3, NM_000296.4).
Identifiers: ClinVar variation 972876 (VCV000972876.4), dbSNP rs2091475604, ClinGen allele CA394328207.